The following is an entry in ClinVar:

NM_001379286.1(ZNF423):c.470G>A (p.Arg157His)

Gene: ZNF423 (zinc finger protein 423; minus strand). Cytogenetic location: 16q12.1.
Variant type: single nucleotide variant.
Coding change: c.470G>A on transcript NM_001379286.1 (MANE Select); coding-DNA position 470, G replaced by A.
Protein change: p.Arg157His; replaces arginine 157 with histidine.
Molecular consequence: missense variant.
Genome position (GRCh38, 1-based): chr16:49,638,706, C>T on the plus strand (G>A on the coding strand, the complement: ZNF423 is on the minus strand). VCF-style: chr16-49638706-C-T. GRCh37 (hg19) VCF-style: chr16-49672617-C-T.
Other names: c.266G>A, p.Arg89His (NM_001271620.2); c.95G>A, p.Arg32His (NM_001330533.2); c.446G>A, p.Arg149His (NM_015069.5); short protein forms R149H, R157H, R32H, R89H.
Identifiers: ClinVar variation 2629464 (VCV002629464.1), dbSNP rs766243231, ClinGen allele CA8046867.

ClinVar aggregate classification (germline): Uncertain significance (1 of 4 stars; one submission).

Conditions:
ZNF423-related disorder. Also called: ZNF423-related condition.

Allele frequency attached by ClinVar (database versions not stated): ExAC 0.00001.

Submission:

PreventionGenetics, part of Exact Sciences
Classification: Uncertain significance for ZNF423-related condition. Last evaluated: 2022-11-15. Review status: criteria provided, single submitter. Criteria: ACMG Guidelines, 2015. Collection method: clinical testing. Allele origin: germline.
Comment: The ZNF423 c.446G>A variant is predicted to result in the amino acid substitution p.Arg149His. To our knowledge, this variant has not been reported in the literature. This variant is reported in 0.00088% of alleles in individuals of European (Non-Finnish) descent in gnomAD. At this time, the clinical significance of this variant is uncertain due to the absence of conclusive functional and genetic evidence.